The following is an entry in ClinVar:

NM_002471.4(MYH6):c.4543A>C (p.Thr1515Pro)

Gene: MYH6 (myosin heavy chain 6; minus strand). Cytogenetic location: 14q11.2.
Variant type: single nucleotide variant.
Coding change: c.4543A>C on transcript NM_002471.4 (MANE Select); coding-DNA position 4543, A replaced by C.
Protein change: p.Thr1515Pro; replaces threonine 1515 with proline.
Molecular consequence: missense variant.
Genome position (GRCh38, 1-based): chr14:23,387,636, T>G on the plus strand (A>C on the coding strand, the complement: MYH6 is on the minus strand). VCF-style: chr14-23387636-T-G. GRCh37 (hg19) VCF-style: chr14-23856845-T-G.
Other names: short protein forms T1515P.
Identifiers: ClinVar variation 2506567 (VCV002506567.1), dbSNP rs2502147632, ClinGen allele CA388996484.
Genomic context (GRCh38, chr14:23,387,636, plus strand): 5'-GCTGTTTGCGGACCTTCTCCAGCTCATGCACATTCTTTCCTCCTTCTCCTAGCTGCTCAG[T>G]AAGGTCCGAGATTTCCTCTGGGGACCAGAGGGCCAGAAAGCTCAAAGCCTATGTTCCCCC-3'
Protein context (NP_002462.2, residues 1505-1525): KNLQEEISDL[Thr1515Pro]EQLGEGGKNV

ClinVar aggregate classification (germline): Uncertain significance (1 of 4 stars; one submission).

Conditions:
Hypertrophic cardiomyopathy 14. Identifiers: MedGen C2750467, MONDO:0013197, OMIM 613251.

Submission:

Institute of Medical Genetics and Genomics, Sir Ganga Ram Hospital
Classification: Uncertain significance for Hypertrophic cardiomyopathy 14. Last evaluated: 2023-06-24. Review status: criteria provided, single submitter. Criteria: ACMG Guidelines, 2015. Collection method: clinical testing. Allele origin: inherited. Inheritance: Autosomal dominant inheritance. Affected: yes. Observed: 3 variant alleles, 3 heterozygotes.
Comment: This variant has not been found in gnomAD aggregate (PM2_moderate).